The following is an entry in ClinVar:

NM_020921.4(NIN):c.6295G>A (p.Ala2099Thr)

Gene: NIN (ninein; minus strand). Cytogenetic location: 14q22.1.
Variant type: single nucleotide variant.
Coding change: c.6295G>A on transcript NM_020921.4 (MANE Select); coding-DNA position 6295, G replaced by A.
Protein change: p.Ala2099Thr; replaces alanine 2099 with threonine.
Molecular consequence: missense variant.
Genome position (GRCh38, 1-based): chr14:50,723,570, C>T on the plus strand (G>A on the coding strand, the complement: NIN is on the minus strand). VCF-style: chr14-50723570-C-T. GRCh37 (hg19) VCF-style: chr14-51190288-C-T.
Other names: short protein forms A2099T.
Identifiers: ClinVar variation 1376466 (VCV001376466.6), dbSNP rs554127497, ClinGen allele CA7180925.

ClinVar aggregate classification (germline): Uncertain significance (1 of 4 stars; one submission).

Allele frequency attached by ClinVar (database versions not stated): gnomAD exomes 0.00002 and 0.00011; gnomAD 0.00003 and 0.00004; TOPMed 0.00005; ExAC 0.00007; 1000 Genomes Project 30x 0.00016; 1000 Genomes Project 0.00020.
gnomAD v4.1: 35 of 1,613,920 alleles (0.0022%); highest among the groups gnomAD compares: East Asian, 0.074%; no homozygotes.

Submission:

Labcorp Genetics (formerly Invitae), Labcorp
Classification: Uncertain significance. Last evaluated: 2024-05-06. Review status: criteria provided, single submitter. Criteria: Invitae Variant Classification Sherloc (09022015). Collection method: clinical testing. Allele origin: germline.
Comment: This sequence change replaces alanine, which is neutral and non-polar, with threonine, which is neutral and polar, at codon 2099 of the NIN protein (p.Ala2099Thr). This variant is present in population databases (rs554127497, gnomAD 0.2%), and has an allele count higher than expected for a pathogenic variant. This variant has not been reported in the literature in individuals affected with NIN-related conditions. ClinVar contains an entry for this variant (Variation ID: 1376466). An algorithm developed to predict the effect of missense changes on protein structure and function (PolyPhen-2) suggests that this variant is likely to be disruptive. In summary, the available evidence is currently insufficient to determine the role of this variant in disease. Therefore, it has been classified as a Variant of Uncertain Significance.